The following is an entry in ClinVar:

ClinVar aggregate classification (germline): Uncertain significance (1 of 4 stars; one submission).

Conditions:
Dilated cardiomyopathy 1G (CMD1G). Identifiers: Orphanet 154, MedGen C1858763, MONDO:0011400, OMIM 604145.
Autosomal recessive limb-girdle muscular dystrophy type 2J (LGMDR10). Also called: Limb-girdle muscular dystrophy, type 2J; MUSCULAR DYSTROPHY, LIMB-GIRDLE, AUTOSOMAL RECESSIVE 10. Identifiers: Orphanet 140922, MedGen C1837342, MONDO:0012127, OMIM 608807.

Submission:

Labcorp Genetics (formerly Invitae), Labcorp
Classification: Uncertain significance for Dilated cardiomyopathy 1G; Autosomal recessive limb-girdle muscular dystrophy type 2J. Last evaluated: 2024-10-22. Review status: criteria provided, single submitter. Criteria: Invitae Variant Classification Sherloc (09022015). Collection method: clinical testing. Allele origin: germline.
Comment: This sequence change replaces serine, which is neutral and polar, with arginine, which is basic and polar, at codon 34492 of the TTN protein (p.Ser34492Arg). This variant is not present in population databases (gnomAD no frequency). This variant has not been reported in the literature in individuals affected with TTN-related conditions. Experimental studies and prediction algorithms are not available or were not evaluated, and the functional significance of this variant is currently unknown. This variant is located in the M band of TTN (PMID: 25589632). Non-truncating variants in this region may be relevant for neuromuscular disorders, but have not been definitively shown to cause cardiomyopathy (PMID: 23975875). In summary, the available evidence is currently insufficient to determine the role of this variant in disease. Therefore, it has been classified as a Variant of Uncertain Significance.

Literature cited by the submitters: PubMed 25589632; PubMed 23975875.

NM_001267550.2(TTN):c.103474A>C (p.Ser34492Arg)

Genes: TTN-AS1 (TTN antisense RNA 1; plus strand), TTN (titin; minus strand). Cytogenetic location: 2q31.2.
Variant type: single nucleotide variant.
Coding change: c.103474A>C on transcript NM_001267550.2 (MANE Select); coding-DNA position 103474, A replaced by C.
Protein change: p.Ser34492Arg; replaces serine 34492 with arginine.
Molecular consequence: missense variant.
Genome position (GRCh38, 1-based): chr2:178,533,141, T>G on the plus strand (A>C on the coding strand, the complement: TTN is on the minus strand). VCF-style: chr2-178533141-T-G. GRCh37 (hg19) VCF-style: chr2-179397868-T-G.
Other names: c.98551A>C, p.Ser32851Arg (NM_001256850.1); c.76279A>C, p.Ser25427Arg (NM_003319.4); c.95770A>C, p.Ser31924Arg (NM_133378.4); c.76654A>C, p.Ser25552Arg (NM_133432.3); c.76855A>C, p.Ser25619Arg (NM_133437.4); short protein forms S25427R, S25552R, S25619R, S31924R, S32851R, S34492R.
Identifiers: ClinVar variation 3759561 (VCV003759561.2).
Genomic context (GRCh38, chr2:178,533,141, plus strand): 5'-GTTTATAAAGGACAGCAGCTTCTCTCAGAGCCTCTTTAGCTACCTGTGTCAGTGGTACAC[T>G]TTCAGTTCCAGAAAGAATTTCAGCCATTCTGAGGGTTTTGTCAATTTGTTTTTGTACGTG-3'
Protein context (NP_001254479.2, residues 34482-34502): RMAEILSGTE[Ser34492Arg]VPLTQVAKEA